The following is an entry in ClinVar:

ClinVar aggregate classification (germline): Conflicting classifications of pathogenicity. Review status: criteria provided, conflicting classifications (1 of 4 stars). 2 submissions from 2 submitters: Uncertain significance (1); Likely benign (1). Last evaluated 2023-10-16.

Conditions:
Emery-Dreifuss muscular dystrophy 5, autosomal dominant (EDMD5). Also called: EMERY-DREIFUSS MUSCULAR DYSTROPHY 5. Identifiers: Orphanet 261, MedGen C2751805, MONDO:0013072, OMIM 612999.

Allele frequency attached by ClinVar (database versions not stated): TOPMed below 0.00001; ExAC 0.00002; gnomAD exomes 0.00002.
gnomAD v4.1: 15 of 1,613,778 alleles (0.00093%); highest among the groups gnomAD compares: Middle Eastern, 0.017%; no homozygotes.

Submissions (2):

Labcorp Genetics (formerly Invitae), Labcorp
Classification: Uncertain significance for Emery-Dreifuss muscular dystrophy 5, autosomal dominant. Last evaluated: 2023-10-16. Review status: criteria provided, single submitter. Criteria: Invitae Variant Classification Sherloc (09022015). Collection method: clinical testing. Allele origin: germline.
Comment: This sequence change falls in intron 4 of the SYNE2 gene. It does not directly change the encoded amino acid sequence of the SYNE2 protein. It affects a nucleotide within the consensus splice site. This variant is present in population databases (rs766604570, gnomAD 0.003%). This variant has not been reported in the literature in individuals affected with SYNE2-related conditions. ClinVar contains an entry for this variant (Variation ID: 380714). Variants that disrupt the consensus splice site are a relatively common cause of aberrant splicing (PMID: 17576681, 9536098). Algorithms developed to predict the effect of sequence changes on RNA splicing suggest that this variant is not likely to affect RNA splicing. In summary, the available evidence is currently insufficient to determine the role of this variant in disease. Therefore, it has been classified as a Variant of Uncertain Significance.

GeneDx
Classification: Likely benign. Last evaluated: 2015-10-02. Review status: criteria provided, single submitter. Criteria: GeneDx Variant Classification (06012015). Collection method: clinical testing. Allele origin: germline. Affected: yes.
Comment: This variant is considered likely benign or benign based on one or more of the following criteria: it is a conservative change, it occurs at a poorly conserved position in the protein, it is predicted to be benign by multiple in silico algorithms, and/or has population frequency not consistent with disease.

Literature cited by the submitters: PubMed 17576681 (cited by Labcorp Genetics (formerly Invitae), Labcorp); PubMed 9536098 (cited by Labcorp Genetics (formerly Invitae), Labcorp).

NM_182914.3(SYNE2):c.237+6A>G

Gene: SYNE2 (spectrin repeat containing nuclear envelope protein 2; plus strand). Cytogenetic location: 14q23.2.
Variant type: single nucleotide variant.
Coding change: c.237+6A>G on transcript NM_182914.3 (MANE Select); 6 bases into the intron after coding-DNA position 237, A replaced by G.
Molecular consequence: intron variant.
Genome position (GRCh38, 1-based): chr14:63,941,796, A>G. VCF-style: chr14-63941796-A-G. GRCh37 (hg19) VCF-style: chr14-64408514-A-G.
Other names: c.237+6A>G (NM_015180.6).
Identifiers: ClinVar variation 380714 (VCV000380714.5), dbSNP rs766604570, ClinGen allele CA7219045.